The following is an entry in ClinVar:

ClinVar aggregate classification (germline): Uncertain significance (1 of 4 stars; one submission).

Conditions:
Familial intrahepatic cholestasis. Identifiers: Orphanet 284385, MedGen CN296401, MONDO:0017290.

Submission:

Genomenon, Inc
Classification: Uncertain significance for Familial intrahepatic cholestasis. Last evaluated: 2026-04-14. Review status: criteria provided, single submitter. Criteria: Genomenon Sequence Variant Interpretation Standards - Updated. Collection method: curation. Allele origin: germline. Affected: yes.
Comment: ABCB11 p.Cys1117Arg (c.3349T>C) is a missense variant that changes the amino acid at residue 1117 from Cysteine to Arginine. This variant has been observed in at least one individual with transient neonatal cholestasis (PMID:32808743). It is absent or not present at a significant frequency in gnomAD. In silico models predict that this variant is possibly or probably damaging. In conclusion, we classify ABCB11 p.Cys1117Arg (c.3349T>C) as a variant of uncertain significance.

Literature cited by the submitters: PubMed 32808743.

NM_003742.4(ABCB11):c.3349T>C (p.Cys1117Arg)

Gene: ABCB11 (ATP binding cassette subfamily B member 11; minus strand). Cytogenetic location: 2q31.1.
Variant type: single nucleotide variant.
Coding change: c.3349T>C on transcript NM_003742.4 (MANE Select); coding-DNA position 3349, T replaced by C.
Protein change: p.Cys1117Arg; replaces cysteine 1117 with arginine.
Molecular consequence: missense variant.
Genome position (GRCh38, 1-based): chr2:168,930,727, A>G on the plus strand (T>C on the coding strand, the complement: ABCB11 is on the minus strand). VCF-style: chr2-168930727-A-G. GRCh37 (hg19) VCF-style: chr2-169787237-A-G.
Other names: short protein forms C1117R.
Identifiers: ClinVar variation 4845958 (VCV004845958.1).